The following is an entry in ClinVar:

NM_004360.5(CDH1):c.933C>G (p.Leu311=)

Gene: CDH1 (cadherin 1; plus strand). Cytogenetic location: 16q22.1.
Variant type: single nucleotide variant.
Coding change: c.933C>G on transcript NM_004360.5 (MANE Select); coding-DNA position 933, C replaced by G.
Protein change: p.Leu311=; no amino-acid change (leucine 311 retained).
Molecular consequence: synonymous variant. On other transcripts: 5 prime UTR variant (2).
Genome position (GRCh38, 1-based): chr16:68,811,784, C>G. VCF-style: chr16-68811784-C-G. GRCh37 (hg19) VCF-style: chr16-68845687-C-G.
Other names: c.933C>G (LRG_301t1); c.933C>G, p.Leu311= (NM_001317184.2); c.-683C>G (NM_001317185.2); c.-887C>G (NM_001317186.2).
Identifiers: ClinVar variation 142633 (VCV000142633.48), dbSNP rs35539711, ClinGen allele CA168964.

ClinVar aggregate classification (germline): Benign. Review status: reviewed by expert panel (3 of 4 stars). 20 submissions from 19 submitters: Benign (1). 19 of the submissions do not count toward it. Last evaluated 2023-08-08.

Conditions:
CDH1-related diffuse gastric and lobular breast cancer syndrome. Also called: CDH1-related diffuse gastric and lobular breast cancer. Identifiers: MedGen CN311521, MONDO:0100488.
Hereditary cancer-predisposing syndrome. Also called: Neoplastic Syndromes, Hereditary; Hereditary neoplastic syndrome; Hereditary Cancer Syndrome; Tumor predisposition. Identifiers: Orphanet 140162, MedGen C0027672, MeSH D009386, MONDO:0015356.
Breast and/or ovarian cancer. Identifiers: MedGen CN221562.
Hereditary diffuse gastric adenocarcinoma (HDGC). Also called: DIFFUSE GASTRIC AND LOBULAR BREAST CANCER SYNDROME. Identifiers: Orphanet 26106, MedGen C1708349, MONDO:0007648, OMIM 137215.
Prostate cancer. Also called: Malignant tumor of prostate. Identifiers: Orphanet 1331, MedGen C0376358, MONDO:0008315, HP:0012125.
Malignant tumor of breast. Also called: Malignant breast neoplasm; Cancer breast. Identifiers: MedGen C0006142, MONDO:0007254. Disease mechanism: loss of function.

Allele frequency attached by ClinVar (database versions not stated): 1000 Genomes Project 30x 0.00953; ESP Exome Variant Server 0.01031; ExAC 0.00288; gnomAD 0.00904 and 0.00974; TOPMed 0.01004; 1000 Genomes Project 0.00779.
gnomAD v4.1: 2,740 of 1,614,148 alleles (0.17%); highest among the groups gnomAD compares: African/African-American, 3.1%; 40 homozygotes.

Submissions (20):

Clingen Gastric Cancer Variant Curation Expert Panel
Classification: Benign for CDH1-related diffuse gastric and lobular breast cancer syndrome. Last evaluated: 2023-08-08. Review status: reviewed by expert panel. Criteria: ClinGen CDH1 ACMG Specifications V3.1. Collection method: curation. Allele origin: germline. Inheritance: Autosomal dominant inheritance.
Comment: The c.933C>G variant has an allele frequency of 0.03128 (3.1%, 781/24,968 alleles) in the African subpopulation of the gnomAD cohort (BA1). Therefore, this variant meets criteria to be classified as benign. ACMG/AMP criteria applied, as specified by the CDH1 Variant Curation Expert Panel (Variant Interpretation Guidelines Version 3.1): BA1.

Labcorp Genetics (formerly Invitae), Labcorp
Classification: Benign for Hereditary diffuse gastric adenocarcinoma. Last evaluated: 2026-02-04. Review status: criteria provided, single submitter. Criteria: Invitae Variant Classification Sherloc (09022015). Collection method: clinical testing. Allele origin: germline. Not counted in ClinVar's aggregate classification.

Center for Genomic Medicine, Rigshospitalet, Copenhagen University Hospital
Classification: Benign. Last evaluated: 2025-03-04. Review status: criteria provided, single submitter. Criteria: ACMG Guidelines, 2015. Collection method: clinical testing. Allele origin: germline. Not counted in ClinVar's aggregate classification.

KCCC/NGS Laboratory, Kuwait Cancer Control Center
Classification: Benign for Hereditary diffuse gastric adenocarcinoma. Last evaluated: 2025-02-01. Review status: criteria provided, single submitter. Criteria: ACMG Guidelines, 2015. Collection method: clinical testing. Allele origin: germline. Affected: no. Not counted in ClinVar's aggregate classification.

Myriad Genetics, Inc.
Classification: Benign for Hereditary diffuse gastric adenocarcinoma. Last evaluated: 2024-09-17. Review status: criteria provided, single submitter. Criteria: Myriad Autosomal Dominant, Autosomal Recessive and X-Linked Classification Criteria (2023). Collection method: clinical testing. Allele origin: unknown. Not counted in ClinVar's aggregate classification.
Comment: This variant is considered benign. This variant is a silent/synonymous amino acid change and it is not expected to impact splicing.

ARUP Laboratories, Molecular Genetics and Genomics, ARUP Laboratories
Classification: Benign. Last evaluated: 2024-05-23. Review status: criteria provided, single submitter. Criteria: ARUP Molecular Germline Variant Investigation Process 2024. Collection method: clinical testing. Allele origin: germline. Not counted in ClinVar's aggregate classification.

KCCC/NGS Laboratory, Kuwait Cancer Control Center
Classification: Benign for Familial prostate cancer. Last evaluated: 2023-07-07. Review status: criteria provided, single submitter. Criteria: ACMG Guidelines, 2015. Collection method: clinical testing. Allele origin: germline. Affected: yes. Not counted in ClinVar's aggregate classification.

European Reference Network on Genetic Tumour Risk Syndromes (ERN-GENTURIS), i3s - Instituto de Investigação e Inovação em Saúde, University of Porto
Classification: Benign for Hereditary diffuse gastric adenocarcinoma. Last evaluated: 2022-08-01. Review status: criteria provided, single submitter. Criteria: Lee et al. (Hum Mutat. 2018). Collection method: clinical testing. Allele origin: germline. Inheritance: Autosomal dominant inheritance. Affected: no. Study: ERN GENTURIS. Not counted in ClinVar's aggregate classification.
Comment: BA1; BS2_Supporting (PMID: 30311375)

CHEO Genetics Diagnostic Laboratory, Children's Hospital of Eastern Ontario
Classification: Benign for Breast and/or ovarian cancer. Last evaluated: 2022-05-25. Review status: criteria provided, single submitter. Criteria: ACMG Guidelines, 2015. Collection method: clinical testing. Allele origin: germline. Not counted in ClinVar's aggregate classification.

Illumina Laboratory Services, Illumina
Classification: Benign for Hereditary diffuse gastric adenocarcinoma. Last evaluated: 2018-01-12. Review status: criteria provided, single submitter. Criteria: ICSL Variant Classification Criteria 13 December 2019. Collection method: clinical testing. Allele origin: germline. Not counted in ClinVar's aggregate classification.
Comment: This variant was observed in the ICSL laboratory as part of a predisposition screen in an ostensibly healthy population. It had not been previously curated by ICSL or reported in the Human Gene Mutation Database (HGMD: prior to June 1st, 2018), and was therefore a candidate for classification through an automated scoring system. Utilizing variant allele frequency, disease prevalence and penetrance estimates, and inheritance mode, an automated score was calculated to assess if this variant is too frequent to cause the disease. Based on the score and internal cut-off values, a variant classified as benign is not then subjected to further curation. The score for this variant resulted in a classification of benign for this disease.

PreventionGenetics, part of Exact Sciences
Classification: Benign. Last evaluated: 2016-10-03. Review status: criteria provided, single submitter. Criteria: ACMG Guidelines, 2015. Collection method: clinical testing. Allele origin: germline. Not counted in ClinVar's aggregate classification.

Color Diagnostics, LLC DBA Color Health
Classification: Benign for Hereditary cancer-predisposing syndrome. Last evaluated: 2015-04-01. Review status: criteria provided, single submitter. Criteria: ACMG Guidelines, 2015. Collection method: clinical testing. Allele origin: germline. Not counted in ClinVar's aggregate classification.

GeneDx
Classification: Benign. Last evaluated: 2015-03-03. Review status: criteria provided, single submitter. Criteria: GeneDx Variant Classification Process June 2021. Collection method: clinical testing. Allele origin: germline. Affected: yes. Not counted in ClinVar's aggregate classification.

Ambry Genetics
Classification: Benign for Hereditary cancer-predisposing syndrome. Last evaluated: 2014-11-18. Review status: criteria provided, single submitter. Criteria: Ambry Variant Classification Scheme 2023. Collection method: clinical testing. Allele origin: germline. Not counted in ClinVar's aggregate classification.

Breakthrough Genomics
Classification: Benign. Review status: criteria provided, single submitter. Criteria: ACMG Guidelines, 2015. Collection method: not provided. Allele origin: germline. Inheritance: Autosomal dominant inheritance. Affected: yes. Not counted in ClinVar's aggregate classification.

True Health Diagnostics
Classification: Likely benign for Hereditary cancer-predisposing syndrome. Last evaluated: 2017-09-11. Review status: no assertion criteria provided. Collection method: clinical testing. Allele origin: germline. Not counted in ClinVar's aggregate classification.

Department of Pathology and Laboratory Medicine, Sinai Health System
Classification: Benign for Malignant tumor of breast. Review status: no assertion criteria provided. Collection method: clinical testing. Allele origin: unknown. Affected: yes. Study: The Canadian Open Genetics Repository (COGR). Not counted in ClinVar's aggregate classification.
Comment: The CDH1 p.Leu311Leu variant was identified in 3 of 622 proband chromosomes (frequency: 0.005) from individuals or families with early-onset gastric cancer and patients with invasive lobular carcinoma of the breast (Bacani 2006, Valente 2014). The variant was also identified in the following databases: dbSNP (ID: rs35539711) as â€šÃ„ÃºWith other alleleâ€šÃ„Ã¹, ClinVar (3x, as benign by Ambry Genetics and Invitae, as Likely benign by Illumina), Clinvitae (2x, by ClinVar and Invitae). The variant was not identified in Cosmic, MutDB, or Zhejiang Colon Cancer Databases. The variant was identified in control databases in 847 of 277200 chromosomes at a frequency of 0.003056 increasing the likelihood this could be a low frequency benign variant (Genome Aggregation Consortium Feb 27, 2017). The variant was identified in the following populations at a frequency greater than 1%: African in 776 of 24034 chromosomes (freq: 0.032). The p.Leu311Leu variant is not expected to have clinical significance because it does not result in a change of amino acid and is not located in a known consensus splice site. In addition, in silico or computational prediction software programs (SpliceSiteFinder, MaxEntScan, NNSPLICE, GeneSplicer, HumanSpliceFinder) do not predict a difference in splicing. In summary, based on the above information this variant meets our laboratory's criteria to be classified as benign.

Genome Diagnostics Laboratory, Amsterdam University Medical Center
Classification: Benign. Review status: no assertion criteria provided. Collection method: clinical testing. Allele origin: germline. Affected: yes. Study: VKGL Data-share Consensus. Not counted in ClinVar's aggregate classification.

Joint Genome Diagnostic Labs from Nijmegen and Maastricht, Radboudumc and MUMC+
Classification: Benign. Review status: no assertion criteria provided. Collection method: clinical testing. Allele origin: germline. Affected: yes. Study: VKGL Data-share Consensus. Not counted in ClinVar's aggregate classification.

Mayo Clinic Laboratories, Mayo Clinic
Classification: Benign. Review status: no assertion criteria provided. Collection method: clinical testing. Allele origin: unknown. Not counted in ClinVar's aggregate classification.

Literature cited by the submitters: PubMed 36436516 (cited by European Reference Network on Genetic Tumour Risk Syndromes (ERN-GENTURIS), i3s - Instituto de Investigação e Inovação em Saúde, University of Porto).